The following is an entry in ClinVar:

ClinVar aggregate classification (germline): Uncertain significance (1 of 4 stars; one submission).

Submission:

CeGaT Center for Human Genetics Tuebingen
Classification: Uncertain significance. Last evaluated: 2025-12-01. Review status: criteria provided, single submitter. Criteria: CeGaT Center For Human Genetics Tuebingen Variant Classification Criteria Version 2. Collection method: clinical testing. Allele origin: germline. Affected: yes. Observed: 1 variant allele.
Comment: MSL2: PM2

NM_018133.4(MSL2):c.935G>C (p.Ser312Thr)

Gene: MSL2 (MSL complex subunit 2; minus strand). Cytogenetic location: 3q22.3.
Variant type: single nucleotide variant.
Coding change: c.935G>C on transcript NM_018133.4 (MANE Select); coding-DNA position 935, G replaced by C.
Protein change: p.Ser312Thr; replaces serine 312 with threonine.
Molecular consequence: missense variant.
Genome position (GRCh38, 1-based): chr3:136,151,946, C>G on the plus strand (G>C on the coding strand, the complement: MSL2 is on the minus strand). VCF-style: chr3-136151946-C-G. GRCh37 (hg19) VCF-style: chr3-135870788-C-G.
Other names: c.713G>C, p.Ser238Thr (NM_001145417.2); short protein forms S238T, S312T.
Identifiers: ClinVar variation 4682040 (VCV004682040.5).